The following is an entry in ClinVar:

ClinVar aggregate classification (germline): Conflicting classifications of pathogenicity. Review status: criteria provided, conflicting classifications (1 of 4 stars). 6 submissions from 6 submitters: Uncertain significance (4); Likely benign (1). 1 of the submissions does not count toward it. Last evaluated 2026-05-29.

Conditions:
Hereditary cancer-predisposing syndrome. Also called: Tumor predisposition; Neoplastic Syndromes, Hereditary; Hereditary neoplastic syndrome; Hereditary Cancer Syndrome. Identifiers: Orphanet 140162, MedGen C0027672, MeSH D009386, MONDO:0015356.
Basal cell carcinoma, susceptibility to, 1. Also called: BCC1. Identifiers: MedGen C2751544, MONDO:0011556, OMIM 605462.
Gorlin syndrome. Also called: Nevoid Basal Cell Carcinoma Syndrome; Basal cell nevus syndrome. Identifiers: Orphanet 377, MedGen C0004779, MONDO:0007187.
PTCH1-related disorder. Also called: PTCH1-related disorders; PTCH1-related condition.

Allele frequency attached by ClinVar (database versions not stated): gnomAD exomes 0.00003 and 0.00004; gnomAD 0.00004; TOPMed 0.00004; ESP Exome Variant Server 0.00008.
gnomAD v4.1: 53 of 1,613,922 alleles (0.0033%); highest among the groups gnomAD compares: Admixed American, 0.0067%; no homozygotes.

Submissions (6):

PreventionGenetics, part of Exact Sciences
Classification: Uncertain significance for PTCH1-related condition. Last evaluated: 2026-05-29. Review status: criteria provided, single submitter. Criteria: ACMG Guidelines, 2015. Collection method: clinical testing. Allele origin: germline.
Comment: The PTCH1 c.3422C>T variant is predicted to result in the amino acid substitution p.Ala1141Val. This variant was reported in individuals with clinical features consistent with nevoid basal cell carcinoma (Gorlin) syndrome (Pruvost-Balland et al. 2006. PubMed ID: 16508594; Brellier et al. 2008. PubMed ID: 18510667). This variant is reported in 0.0087% of alleles in individuals of Latino descent in gnomAD and has conflicting interpretations in ClinVar ranging from likely benign to uncertain (Variation ID: 161355). At this time, the clinical significance of this variant is uncertain due to the absence of conclusive functional and genetic evidence.

Ambry Genetics
Classification: Uncertain significance for Hereditary cancer-predisposing syndrome. Last evaluated: 2026-04-20. Review status: criteria provided, single submitter. Criteria: Ambry Variant Classification Scheme 2023. Collection method: clinical testing. Allele origin: germline.
Comment: The p.A1141V variant (also known as c.3422C>T), located in coding exon 20 of the PTCH1 gene, results from a C to T substitution at nucleotide position 3422. The alanine at codon 1141 is replaced by valine, an amino acid with similar properties. This variant was identified in a patient suspected of having nevoid basal cell carcinoma syndrome due to a history of multiple basal cell carcinomas and two meningiomas (Brellier F et al. Br. J. Dermatol. 2008 Aug;159:445-52). However, this variant was detected in individual(s) with no reported features of PTCH1-related nevoid basal cell carcinoma syndrome (Ambry internal data). This amino acid position is highly conserved in available vertebrate species. In addition, this alteration is predicted to be deleterious by in silico analysis. Based on the available evidence, the clinical significance of this variant remains unclear.

Labcorp Genetics (formerly Invitae), Labcorp
Classification: Likely benign for Gorlin syndrome. Last evaluated: 2026-01-28. Review status: criteria provided, single submitter. Criteria: Invitae Variant Classification Sherloc (09022015). Collection method: clinical testing. Allele origin: germline.

Quest Diagnostics Nichols Institute San Juan Capistrano
Classification: Uncertain significance. Last evaluated: 2023-11-28. Review status: criteria provided, single submitter. Criteria: Quest Diagnostics criteria. Collection method: clinical testing. Allele origin: unknown.
Comment: The PTCH1 c.3422C>T (p.Ala1141Val) variant has been reported in the published literature in an unaffected individual (PMID: 25637381 (2015)). The frequency of this variant in the general population, 0.000087 (3/34590 chromosomes in Admixed American subpopulation (Genome Aggregation Database)), is higher than would generally be expected for pathogenic variants in this gene. Analysis of this variant using bioinformatics tools for the prediction of the effect of amino acid changes on protein structure and function yielded predictions that this variant is damaging. Based on the available information, we are unable to determine the clinical significance of this variant.

Baylor Genetics
Classification: Uncertain significance for Basal cell carcinoma, susceptibility to, 1. Last evaluated: 2022-09-24. Review status: criteria provided, single submitter. Criteria: ACMG Guidelines, 2015. Collection method: clinical testing. Allele origin: unknown.

CSER _CC_NCGL, University of Washington
Classification: Uncertain significance for Nevoid basal cell carcinoma syndrome. Last evaluated: 2014-06-01. Review status: no assertion criteria provided. Collection method: research. Allele origin: germline. Inheritance: Autosomal dominant inheritance. Study: ESP 6500 variant annotation. Not counted in ClinVar's aggregate classification.
Comment: Variants classified for the Actionable exomic incidental findings in 6503 participants: challenges of variant classification manuscript

Literature cited by the submitters: PubMed 16508594 (cited by Ambry Genetics and Quest Diagnostics Nichols Institute San Juan Capistrano); PubMed 18510667 (cited by Ambry Genetics); PubMed 25637381 (cited by Quest Diagnostics Nichols Institute San Juan Capistrano).

NM_000264.5(PTCH1):c.3422C>T (p.Ala1141Val)

Gene: PTCH1 (patched 1; minus strand). Cytogenetic location: 9q22.32.
Variant type: single nucleotide variant.
Coding change: c.3422C>T on transcript NM_000264.5 (MANE Select); coding-DNA position 3422, C replaced by T.
Protein change: p.Ala1141Val; replaces alanine 1141 with valine.
Molecular consequence: missense variant. On other transcripts: non-coding transcript variant (1).
Genome position (GRCh38, 1-based): chr9:95,453,505, G>A on the plus strand (C>T on the coding strand, the complement: PTCH1 is on the minus strand). VCF-style: chr9-95453505-G-A. GRCh37 (hg19) VCF-style: chr9-98215787-G-A.
Other names: c.3224C>T, p.Ala1075Val (NM_001083602.3); c.3419C>T, p.Ala1140Val (NM_001083603.3); c.2969C>T, p.Ala990Val (NM_001083604.3, NM_001083605.3, NM_001083606.3 and 1 more transcripts); c.3266C>T, p.Ala1089Val (NM_001354918.2); c.3422C>T (NM_000264.4); short protein forms A1075V, A1141V, A1140V, A990V, A1089V.
Identifiers: ClinVar variation 161355 (VCV000161355.19), dbSNP rs376844749, ClinGen allele CA272946.